The following is an entry in ClinVar:

NM_001999.4(FBN2):c.35A>C (p.Tyr12Ser)

Gene: FBN2 (fibrillin 2; minus strand). Cytogenetic location: 5q23.3.
Variant type: single nucleotide variant.
Coding change: c.35A>C on transcript NM_001999.4 (MANE Select); coding-DNA position 35, A replaced by C.
Protein change: p.Tyr12Ser; replaces tyrosine 12 with serine.
Molecular consequence: missense variant.
Genome position (GRCh38, 1-based): chr5:128,537,569, T>G on the plus strand (A>C on the coding strand, the complement: FBN2 is on the minus strand). VCF-style: chr5-128537569-T-G. GRCh37 (hg19) VCF-style: chr5-127873262-T-G.
Other names: short protein forms Y12S.
Identifiers: ClinVar variation 3370984 (VCV003370984.1).

ClinVar aggregate classification (germline): Uncertain significance (1 of 4 stars; one submission).

gnomAD v4.1: 2 of 1,605,522 alleles (0.00012%); highest among the groups gnomAD compares: Non-Finnish European, 0.00017%; no homozygotes.

Submission:

GeneDx
Classification: Uncertain significance. Last evaluated: 2024-05-01. Review status: criteria provided, single submitter. Criteria: GeneDx Variant Classification Process June 2021. Collection method: clinical testing. Allele origin: germline. Affected: yes.
Comment: Not observed at significant frequency in large population cohorts (gnomAD); In silico analysis indicates that this missense variant does not alter protein structure/function; Has not been previously published as pathogenic or benign to our knowledge